The following is an entry in ClinVar:

NM_000038.6(APC):c.6707T>C (p.Val2236Ala)

Gene: APC (APC regulator of Wnt signaling pathway; plus strand). Cytogenetic location: 5q22.2.
Variant type: single nucleotide variant.
Coding change: c.6707T>C on transcript NM_000038.6 (MANE Select); coding-DNA position 6707, T replaced by C.
Protein change: p.Val2236Ala; replaces valine 2236 with alanine.
Molecular consequence: missense variant. On other transcripts: non-coding transcript variant (2).
Genome position (GRCh38, 1-based): chr5:112,842,301, T>C. VCF-style: chr5-112842301-T-C. GRCh37 (hg19) VCF-style: chr5-112177998-T-C.
Other names: c.6707T>C, p.Val2236Ala (NM_001354895.2, NM_001127510.3, NM_001407450.1); c.6761T>C, p.Val2254Ala (NM_001354896.2, NM_001407447.1, NM_001407448.1 and 1 more transcripts); c.6737T>C, p.Val2246Ala (NM_001354897.2); c.6632T>C, p.Val2211Ala (NM_001354898.2); c.6530T>C, p.Val2177Ala (NM_001354901.2, NM_001407453.1); c.6434T>C, p.Val2145Ala (NM_001354902.2); c.6584T>C, p.Val2195Ala (NM_001354900.2); c.6404T>C, p.Val2135Ala (NM_001354903.2, NM_001407458.1, NM_001407459.1 and 1 more transcripts); and 12 more; short protein forms V2145A, V2195A, V2229A, V2110A, V2135A, V2208A, V2211A, V2218A.
Identifiers: ClinVar variation 2842025 (VCV002842025.4), dbSNP rs2149971149, ClinGen allele CA16035992.

ClinVar aggregate classification (germline): Uncertain significance. Review status: criteria provided, multiple submitters, no conflicts (2 of 4 stars). 2 submissions from 2 submitters: Uncertain significance (2). Last evaluated 2024-06-10.

Conditions:
Hereditary cancer-predisposing syndrome. Also called: Neoplastic Syndromes, Hereditary; Hereditary Cancer Syndrome; Hereditary neoplastic syndrome; Tumor predisposition. Identifiers: Orphanet 140162, MedGen C0027672, MeSH D009386, MONDO:0015356.
Familial adenomatous polyposis 1 (FAP1). Also called: FAMILIAL ADENOMATOUS POLYPOSIS 1, ATTENUATED; POLYPOSIS, ADENOMATOUS INTESTINAL. Identifiers: MedGen C2713442, MONDO:0021056, OMIM 175100. Disease mechanism: loss of function.

Allele frequency attached by ClinVar (database versions not stated): gnomAD exomes below 0.00001.
gnomAD v4.1: 1 of 1,613,358 alleles (0.000062%); highest among the groups gnomAD compares: Non-Finnish European, 0.000085%; no homozygotes.

Submissions (2):

Ambry Genetics
Classification: Uncertain significance for Hereditary cancer-predisposing syndrome. Last evaluated: 2024-06-10. Review status: criteria provided, single submitter. Criteria: Ambry Variant Classification Scheme 2023. Collection method: clinical testing. Allele origin: germline.
Comment: The p.V2236A variant (also known as c.6707T>C), located in coding exon 15 of the APC gene, results from a T to C substitution at nucleotide position 6707. The valine at codon 2236 is replaced by alanine, an amino acid with similar properties. This amino acid position is conserved. In addition, in silico predictors for this gene do not accurately predict pathogenicity. Based on the available evidence, the clinical significance of this variant remains unclear.

Labcorp Genetics (formerly Invitae), Labcorp
Classification: Uncertain significance for Familial adenomatous polyposis 1. Last evaluated: 2024-06-05. Review status: criteria provided, single submitter. Criteria: Invitae Variant Classification Sherloc (09022015). Collection method: clinical testing. Allele origin: germline.
Comment: This sequence change replaces valine, which is neutral and non-polar, with alanine, which is neutral and non-polar, at codon 2236 of the APC protein (p.Val2236Ala). This variant is not present in population databases (gnomAD no frequency). This variant has not been reported in the literature in individuals affected with APC-related conditions. Advanced modeling of protein sequence and biophysical properties (such as structural, functional, and spatial information, amino acid conservation, physicochemical variation, residue mobility, and thermodynamic stability) performed at Invitae indicates that this missense variant is not expected to disrupt APC protein function with a negative predictive value of 95%. In summary, the available evidence is currently insufficient to determine the role of this variant in disease. Therefore, it has been classified as a Variant of Uncertain Significance.